The following is an entry in ClinVar:

ClinVar aggregate classification (germline): Uncertain significance. Review status: criteria provided, multiple submitters, no conflicts (2 of 4 stars). 3 submissions from 3 submitters: Uncertain significance (2). 1 of the submissions does not count toward it. Last evaluated 2025-12-15.

Conditions:
SLC10A2-related disorder. Also called: SLC10A2-related condition.

Allele frequency attached by ClinVar (database versions not stated): gnomAD exomes 0.00003 and 0.00010; ExAC 0.00013; 1000 Genomes Project 30x 0.00031; ESP Exome Variant Server 0.00038; 1000 Genomes Project 0.00040; TOPMed 0.00041; gnomAD 0.00045 and 0.00047.
gnomAD v4.1: 112 of 1,613,760 alleles (0.0069%); highest among the groups gnomAD compares: African/African-American, 0.14%; no homozygotes.

Submissions (3):

Labcorp Genetics (formerly Invitae), Labcorp
Classification: Uncertain significance. Last evaluated: 2025-12-15. Review status: criteria provided, single submitter. Criteria: Invitae Variant Classification Sherloc (09022015). Collection method: clinical testing. Allele origin: germline.
Comment: This sequence change replaces threonine, which is neutral and polar, with serine, which is neutral and polar, at codon 279 of the SLC10A2 protein (p.Thr279Ser). This variant is present in population databases (rs149096396, gnomAD 0.2%), and has an allele count higher than expected for a pathogenic variant. This variant has not been reported in the literature in individuals affected with SLC10A2-related conditions. ClinVar contains an entry for this variant (Variation ID: 596703). Invitae Evidence Modeling of protein sequence and biophysical properties (such as structural, functional, and spatial information, amino acid conservation, physicochemical variation, residue mobility, and thermodynamic stability) indicates that this missense variant is not expected to disrupt SLC10A2 protein function with a negative predictive value of 80%. In summary, the available evidence is currently insufficient to determine the role of this variant in disease. Therefore, it has been classified as a Variant of Uncertain Significance.

Eurofins Ntd Llc (ga)
Classification: Uncertain significance. Last evaluated: 2018-03-30. Review status: criteria provided, single submitter. Criteria: EGL ClinVar v180209 classification definitions. Collection method: clinical testing. Allele origin: germline. Observed: 2 variant alleles, 2 heterozygotes.

PreventionGenetics, part of Exact Sciences
Classification: Likely benign for SLC10A2-related condition. Last evaluated: 2022-04-25. Review status: no assertion criteria provided. Collection method: clinical testing. Allele origin: germline. Not counted in ClinVar's aggregate classification.
Comment: This variant is classified as likely benign based on ACMG/AMP sequence variant interpretation guidelines (Richards et al. 2015 PMID: 25741868, with internal and published modifications).

NM_000452.3(SLC10A2):c.835A>T (p.Thr279Ser)

Gene: SLC10A2 (solute carrier family 10 member 2; minus strand). Cytogenetic location: 13q33.1.
Variant type: single nucleotide variant.
Coding change: c.835A>T on transcript NM_000452.3 (MANE Select); coding-DNA position 835, A replaced by T.
Protein change: p.Thr279Ser; replaces threonine 279 with serine.
Molecular consequence: missense variant.
Genome position (GRCh38, 1-based): chr13:103,049,373, T>A on the plus strand (A>T on the coding strand, the complement: SLC10A2 is on the minus strand). VCF-style: chr13-103049373-T-A. GRCh37 (hg19) VCF-style: chr13-103701723-T-A.
Other names: c.835A>T (NM_000452.2); short protein forms T279S.
Identifiers: ClinVar variation 596703 (VCV000596703.11), dbSNP rs149096396, ClinGen allele CA7042027.
Genomic context (GRCh38, chr13:103,049,373, plus strand): 5'-CGAGCTGGAAAATGCTGTAGATGAGCGGGAAGGTGAATACGACATTGAGCTCCTCAGGAG[T>A]GAAGGAGAGCTGAACGATGGTGGAACATAGCTGCGTGTTCTGCATCCCCGTTTCAAAAGC-3'
Protein context (NP_000443.2, residues 269-289): LCSTIVQLSF[Thr279Ser]PEELNVVFTF